The following is an entry in ClinVar:

ClinVar aggregate classification (germline): Pathogenic/Likely pathogenic. Review status: criteria provided, multiple submitters, no conflicts (2 of 4 stars). 3 submissions from 3 submitters: Pathogenic (2); Likely pathogenic (1). Last evaluated 2024-10-21.

Conditions:
Ghosal hematodiaphyseal dysplasia. Also called: Ghosal hematodiaphyseal syndrome. Identifiers: Orphanet 1802, MedGen C1856465, MONDO:0009274, OMIM 231095.

Submissions (3):

Labcorp Genetics (formerly Invitae), Labcorp
Classification: Pathogenic. Last evaluated: 2024-10-21. Review status: criteria provided, single submitter. Criteria: Invitae Variant Classification Sherloc (09022015). Collection method: clinical testing. Allele origin: germline.
Comment: This sequence change creates a premature translational stop signal (p.Ala475Profs*11) in the TBXAS1 gene. It is expected to result in an absent or disrupted protein product. Loss-of-function variants in TBXAS1 are known to be pathogenic (PMID: 22735388). This variant is present in population databases (rs561266357, gnomAD 0.009%). This variant has not been reported in the literature in individuals affected with TBXAS1-related conditions. ClinVar contains an entry for this variant (Variation ID: 194017). For these reasons, this variant has been classified as Pathogenic.

New York Genome Center
Classification: Likely pathogenic for Ghosal hematodiaphyseal dysplasia. Last evaluated: 2020-06-26. Review status: criteria provided, single submitter. Criteria: NYGC Assertion Criteria 2020. Collection method: clinical testing. Allele origin: germline. Observed: 1 compound heterozygote. Study: CSER-NYCKidSeq.
Comment: The c.1420del (p.Ala474ProfsTer11) variant identified in the TBXAS1 gene is the deletion of a single nucleotide resulting in a frameshift at amino acid 474/534 (exon 16/17). This variant is found with low frequency in gnomAD(v3.0) (9 heterozygotes, 0 homozygotes; allele frequency: 6.28e-5) suggesting it is not a common benign variant in the populations represented in that database. This variant is reported as Pathogenic in ClinVar (VarID:194017), and to our current knowledge has not been reported in affected individuals in the literature. Given its deleterious nature and low frequency in population databases, the c.1420del (p.Ala474ProfsTer11) variant identified in the TBXAS1 gene is reported as Likely Pathogenic.

Eurofins Ntd Llc (ga)
Classification: Pathogenic. Last evaluated: 2014-12-16. Review status: criteria provided, single submitter. Criteria: EGL Classification Definitions 2015. Collection method: clinical testing. Allele origin: germline. Observed: 1 variant allele, 1 homozygote.

Literature cited by the submitters: PubMed 22735388 (cited by Labcorp Genetics (formerly Invitae), Labcorp).

NM_001061.7(TBXAS1):c.1420del (p.Ala474fs)

Gene: TBXAS1 (thromboxane A synthase 1; plus strand). Cytogenetic location: 7q34.
Variant type: Deletion.
Coding change: c.1420del on transcript NM_001061.7 (MANE Select); coding-DNA position 1420, one base deleted (G; older notation c.1420delG).
Protein change: p.Ala474fs; shifts the reading frame from alanine 474.
Molecular consequence: frameshift variant. On other transcripts: intron variant (1).
Genome position (GRCh38, 1-based): chr7:140,017,726, G deleted; the last of 4 consecutive G bases (chr7:140,017,723-140,017,726); deleting any one gives the same sequence. VCF-style (leftmost placement, unchanged base first): chr7-140017722-CG-C. GRCh37 (hg19) VCF-style: chr7-139717522-CG-C.
Other names: c.1420del, p.Ala474fs (NM_001130966.5); c.1558del, p.Ala520fs (NM_001166253.4); c.1219del, p.Ala407fs (NM_001166254.4); c.1363del, p.Ala455fs (NM_001314028.4); c.1237del, p.Ala413fs (NM_001366537.3); c.1364+1866del (NM_030984.6); short protein forms A407fs, A413fs, A474fs, A520fs, A455fs.
Identifiers: ClinVar variation 194017 (VCV000194017.12), dbSNP rs794727053, ClinGen allele CA200916.